The following is an entry in ClinVar:

NM_152703.5(SAMD9L):c.385A>C (p.Ile129Leu)

Gene: SAMD9L (sterile alpha motif domain containing 9 like; minus strand). Cytogenetic location: 7q21.2.
Variant type: single nucleotide variant.
Coding change: c.385A>C on transcript NM_152703.5 (MANE Select); coding-DNA position 385, A replaced by C.
Protein change: p.Ile129Leu; replaces isoleucine 129 with leucine.
Molecular consequence: missense variant.
Genome position (GRCh38, 1-based): chr7:93,135,587, T>G on the plus strand (A>C on the coding strand, the complement: SAMD9L is on the minus strand). VCF-style: chr7-93135587-T-G. GRCh37 (hg19) VCF-style: chr7-92764900-T-G.
Other names: c.385A>C, p.Ile129Leu (NM_001303496.3, NM_001303497.3, NM_001303498.3 and 5 more transcripts); c.385A>C (NM_152703.3); short protein forms I129L.
Identifiers: ClinVar variation 2417752 (VCV002417752.11), dbSNP rs149275726, ClinGen allele CA4343880.

ClinVar aggregate classification (germline): Uncertain significance. Review status: criteria provided, multiple submitters, no conflicts (2 of 4 stars). 5 submissions from 5 submitters: Uncertain significance (4). 1 of the submissions does not count toward it. Last evaluated 2026-01-13.

Conditions:
Monosomy 7 myelodysplasia and leukemia syndrome 1. Also called: CHROMOSOME 7q DELETION; Familial Mosaic Monosomy 7 Syndrome; Monosomy 7 of bone marrow. Identifiers: MedGen C1854978, MONDO:0009646, OMIM 252270.
SAMD9L-related disorder. Also called: SAMD9L-related disorders; SAMD9L-related condition.

Allele frequency attached by ClinVar (database versions not stated): ExAC 0.00001; TOPMed 0.00005; gnomAD 0.00007; ESP Exome Variant Server 0.00023.
gnomAD v4.1: 120 of 1,613,886 alleles (0.0074%); highest among the groups gnomAD compares: Non-Finnish European, 0.0099%; no homozygotes.

Submissions (5):

Dasa
Classification: Uncertain significance. Last evaluated: 2026-01-13. Review status: criteria provided, single submitter. Criteria: DASA Assertion Criteria. Collection method: clinical testing. Allele origin: germline.
Comment: NM_152703.5(SAMD9L):c.385A>C (p.Ile129Leu) is a missense variant that results in the substitution of isoleucine with leucine. This variant is rare in population databases. Computational prediction algorithms are consistent with a benign effect. The currently available literature and clinical evidence are not sufficient to establish a definitive association between this variant and the reported condition. Therefore, this variant is classified as a variant of uncertain significance.

Labcorp Genetics (formerly Invitae), Labcorp
Classification: Uncertain significance. Last evaluated: 2025-11-16. Review status: criteria provided, single submitter. Criteria: Invitae Variant Classification Sherloc (09022015). Collection method: clinical testing. Allele origin: germline.
Comment: This sequence change replaces isoleucine, which is neutral and non-polar, with leucine, which is neutral and non-polar, at codon 129 of the SAMD9L protein (p.Ile129Leu). This variant is present in population databases (rs149275726, gnomAD 0.002%). This variant has not been reported in the literature in individuals affected with SAMD9L-related conditions. ClinVar contains an entry for this variant (Variation ID: 2417752). An algorithm developed to predict the effect of missense changes on protein structure and function (PolyPhen-2) suggests that this variant is likely to be tolerated. In summary, the available evidence is currently insufficient to determine the role of this variant in disease. Therefore, it has been classified as a Variant of Uncertain Significance.

GeneDx
Classification: Uncertain significance. Last evaluated: 2023-12-06. Review status: criteria provided, single submitter. Criteria: GeneDx Variant Classification Process June 2021. Collection method: clinical testing. Allele origin: germline. Affected: yes.
Comment: Not observed at significant frequency in large population cohorts (gnomAD); In silico analysis supports that this missense variant does not alter protein structure/function; Has not been previously published as pathogenic or benign to our knowledge

St. Jude Molecular Pathology, St. Jude Children's Research Hospital
Classification: Uncertain significance for Monosomy 7 myelodysplasia and leukemia syndrome 1. Last evaluated: 2023-10-18. Review status: criteria provided, single submitter. Criteria: St. Jude Assertion Criteria 2020. Collection method: clinical testing. Allele origin: germline.
Comment: The SAMD9L c.385A>C (p.Ile129Leu) missense change has a maximum subpopulation frequency of 0.0017% in gnomAD v2.1.1. The in silico tool REVEL predicts a benign effect on protein function, but to our knowledge this prediction has not been confirmed by functional studies. In silico predictions have not been found to correlate with syndromic risk and are not considered supporting evidence of a pathogenic or benign effect (PMID: 34621053). To our knowledge, this variant has not been reported in individuals with SAMD9L-related disease. In summary, the evidence currently available is insufficient to determine the clinical significance of this variant. It has therefore been classified as of uncertain significance.

PreventionGenetics, part of Exact Sciences
Classification: Uncertain significance for SAMD9L-related condition. Last evaluated: 2024-08-27. Review status: no assertion criteria provided. Collection method: clinical testing. Allele origin: germline. Not counted in ClinVar's aggregate classification.
Comment: The SAMD9L c.385A>C variant is predicted to result in the amino acid substitution p.Ile129Leu. To our knowledge, this variant has not been reported in the literature. This variant is reported in 0.0018% of alleles in individuals of European (Non-Finnish) descent in gnomAD and has been classified as a variant of uncertain significance by three labs in ClinVar. At this time, the clinical significance of this variant is uncertain due to the absence of conclusive functional and genetic evidence.